The following is an entry in ClinVar:

NM_015378.4(VPS13D):c.13000G>C (p.Val4334Leu)

Gene: VPS13D (vacuolar protein sorting 13 homolog D; plus strand). Cytogenetic location: 1p36.21.
Variant type: single nucleotide variant.
Coding change: c.13000G>C on transcript NM_015378.4 (MANE Select); coding-DNA position 13000, G replaced by C.
Protein change: p.Val4334Leu; replaces valine 4334 with leucine.
Molecular consequence: missense variant.
Genome position (GRCh38, 1-based): chr1:12,507,058, G>C. VCF-style: chr1-12507058-G-C. GRCh37 (hg19) VCF-style: chr1-12567112-G-C.
Other names: p.Val4334Leu; c.12925G>C, p.Val4309Leu (NM_018156.4); c.13000G>C (NM_015378.2); short protein forms V4309L, V4334L.
Identifiers: ClinVar variation 2377309 (VCV002377309.9), dbSNP rs141439714, ClinGen allele CA604351.

ClinVar aggregate classification (germline): Uncertain significance. Review status: criteria provided, multiple submitters, no conflicts (2 of 4 stars). 3 submissions from 3 submitters: Uncertain significance (3). Last evaluated 2024-08-27.

Conditions:
Inborn genetic diseases. Identifiers: MedGen C0950123, MeSH D030342.

Allele frequency attached by ClinVar (database versions not stated): gnomAD 0.00005; ExAC 0.00006; TOPMed 0.00006; gnomAD exomes 0.00007; ESP Exome Variant Server 0.00038.
gnomAD v4.1: 110 of 1,614,156 alleles (0.0068%); highest among the groups gnomAD compares: Non-Finnish European, 0.0088%; no homozygotes.

Submissions (3):

Ambry Genetics
Classification: Uncertain significance for Inborn genetic diseases. Last evaluated: 2024-08-27. Review status: criteria provided, single submitter. Criteria: Ambry Variant Classification Scheme 2023. Collection method: clinical testing. Allele origin: germline.

Mayo Clinic Laboratories, Mayo Clinic
Classification: Uncertain significance. Last evaluated: 2023-08-30. Review status: criteria provided, single submitter. Criteria: ACMG Guidelines, 2015. Collection method: clinical testing. Allele origin: germline. Observed: 1 variant allele.
Comment: BP4

Labcorp Genetics (formerly Invitae), Labcorp
Classification: Uncertain significance. Last evaluated: 2022-02-12. Review status: criteria provided, single submitter. Criteria: Invitae Variant Classification Sherloc (09022015). Collection method: clinical testing. Allele origin: germline.
Comment: This sequence change replaces valine, which is neutral and non-polar, with leucine, which is neutral and non-polar, at codon 4334 of the VPS13D protein (p.Val4334Leu). This variant is present in population databases (rs141439714, gnomAD 0.01%). In summary, the available evidence is currently insufficient to determine the role of this variant in disease. Therefore, it has been classified as a Variant of Uncertain Significance. Algorithms developed to predict the effect of missense changes on protein structure and function (SIFT, PolyPhen-2, Align-GVGD) all suggest that this variant is likely to be tolerated. This variant has not been reported in the literature in individuals affected with VPS13D-related conditions.